The following is an entry in ClinVar:

ClinVar aggregate classification (germline): Pathogenic. Review status: criteria provided, multiple submitters, no conflicts (2 of 4 stars). 7 submissions from 7 submitters: Pathogenic (5). 2 of the submissions do not count toward it. Last evaluated 2025-04-16.

Conditions:
NPHP3-related disorder. Also called: NPHP3-related disorders; NPHP3-related condition. Identifiers: MedGen CN379163.
Nephronophthisis. Also called: Juvenile Nephronophthisis. Identifiers: Orphanet 655, MedGen C0687120, MONDO:0019005, HP:0000090.
Nephronophthisis 3 (NPHP3). Also called: Adolescent nephronophthisis. Identifiers: Orphanet 655, MedGen C1858392, MONDO:0011456, OMIM 604387.
Renal-hepatic-pancreatic dysplasia 1 (RHPD1). Identifiers: MedGen C3715199, MONDO:0008833, OMIM 208540.
NPHP3-related Meckel-like syndrome. Also called: Meckel syndrome type 7; GOLDSTON SYNDROME. Identifiers: Orphanet 3032, MedGen C2673885, MONDO:0009966, OMIM 267010.

Allele frequency attached by ClinVar (database versions not stated): ExAC 0.00001; TOPMed 0.00001; gnomAD exomes 0.00002.
gnomAD v4.1: 12 of 1,614,158 alleles (0.00074%); highest among the groups gnomAD compares: Non-Finnish European, 0.001%; no homozygotes.

Submissions (7):

Labcorp Genetics (formerly Invitae), Labcorp
Classification: Pathogenic for Nephronophthisis. Last evaluated: 2025-04-16. Review status: criteria provided, single submitter. Criteria: Invitae Variant Classification Sherloc (09022015). Collection method: clinical testing. Allele origin: germline.
Comment: This sequence change creates a premature translational stop signal (p.Glu461*) in the NPHP3 gene. It is expected to result in an absent or disrupted protein product. Loss-of-function variants in NPHP3 are known to be pathogenic (PMID: 18371931, 23559409). This variant is present in population databases (rs119456961, gnomAD 0.004%). This premature translational stop signal has been observed in individual(s) with nephronophthisis (PMID: 12872122, 21866095). ClinVar contains an entry for this variant (Variation ID: 2634). For these reasons, this variant has been classified as Pathogenic.

Fulgent Genetics
Classification: Pathogenic for Renal-hepatic-pancreatic dysplasia 1; NPHP3-related Meckel-like syndrome; Nephronophthisis 3. Last evaluated: 2024-03-21. Review status: criteria provided, single submitter. Criteria: ACMG Guidelines, 2015. Collection method: clinical testing. Allele origin: germline.

Blueprint Genetics
Classification: Pathogenic for NPHP3-related disorders. Last evaluated: 2023-11-01. Review status: criteria provided, single submitter. Criteria: ACMG Guidelines, 2015. Collection method: clinical testing. Allele origin: germline. Affected: yes. Observed: 5 variant alleles.

GeneDx
Classification: Pathogenic. Last evaluated: 2023-03-06. Review status: criteria provided, single submitter. Criteria: GeneDx Variant Classification Process June 2021. Collection method: clinical testing. Allele origin: germline. Affected: yes.
Comment: Nonsense variant predicted to result in protein truncation or nonsense mediated decay in a gene for which loss of function is a known mechanism of disease; Not observed at significant frequency in large population cohorts (gnomAD); This variant is associated with the following publications: (PMID: 25525159, 21866095, 30586318, 36090483, 12872122)

Centre for Mendelian Genomics, University Medical Centre Ljubljana
Classification: Pathogenic for NPHP3-related Meckel-like syndrome. Last evaluated: 2019-09-23. Review status: criteria provided, single submitter. Criteria: ACMG Guidelines, 2015. Collection method: clinical testing. Allele origin: unknown. Affected: yes.
Comment: This variant was classified as: Pathogenic. The following ACMG criteria were applied in classifying this variant: PVS1,PS1.

Gharavi Laboratory, Columbia University
Classification: Pathogenic. Last evaluated: 2018-09-16. Review status: no assertion criteria provided. Criteria: ACMG Guidelines, 2015. Collection method: research. Allele origin: germline. Affected: yes. Not counted in ClinVar's aggregate classification.

OMIM
Classification: Pathogenic for NEPHRONOPHTHISIS 3. Last evaluated: 2003-08-01. Review status: no assertion criteria provided. Collection method: literature only. Allele origin: germline. Not counted in ClinVar's aggregate classification.

Literature cited by the submitters: PubMed 18371931 (cited by Labcorp Genetics (formerly Invitae), Labcorp); PubMed 23559409 (cited by Labcorp Genetics (formerly Invitae), Labcorp); PubMed 12872122 (cited by Labcorp Genetics (formerly Invitae), Labcorp and OMIM); PubMed 21866095 (cited by Labcorp Genetics (formerly Invitae), Labcorp).

NM_153240.5(NPHP3):c.1381G>T (p.Glu461Ter)

Genes: NPHP3 (nephrocystin 3; minus strand), NPHP3-ACAD11 (NPHP3-ACAD11 readthrough (NMD candidate); minus strand). Cytogenetic location: 3q22.1.
Variant type: single nucleotide variant.
Coding change: c.1381G>T on transcript NM_153240.5 (MANE Select); coding-DNA position 1381, G replaced by T.
Protein change: p.Glu461Ter; replaces glutamic acid 461 with a stop codon.
Molecular consequence: nonsense. On other transcripts: non-coding transcript variant (1).
Genome position (GRCh38, 1-based): chr3:132,704,341, C>A on the plus strand (G>T on the coding strand, the complement: NPHP3 is on the minus strand). VCF-style: chr3-132704341-C-A. GRCh37 (hg19) VCF-style: chr3-132423185-C-A.
Other names: short protein forms E461*.
Identifiers: ClinVar variation 2634 (VCV000002634.16), dbSNP rs119456961, ClinGen allele CA115653.